The following is an entry in ClinVar:

ClinVar aggregate classification (germline): Uncertain significance (1 of 4 stars; one submission).

Conditions:
Very long chain acyl-CoA dehydrogenase deficiency (ACADVLD). Also called: Very Long-Chain Acyl-Coenzyme A Dehydrogenase Deficiency; VLCAD Deficiency. Identifiers: Orphanet 26793, MedGen C3887523, MONDO:0008723, OMIM 201475.

Allele frequency attached by ClinVar (database versions not stated): gnomAD exomes below 0.00001.
gnomAD v4.1: 1 of 1,613,992 alleles (0.000062%); no homozygotes.

Submission:

Wong Mito Lab, Molecular and Human Genetics, Baylor College of Medicine
Classification: Uncertain significance for Very long chain acyl-CoA dehydrogenase deficiency. Last evaluated: 2019-11-01. Review status: criteria provided, single submitter. Criteria: ACMG Guidelines, 2015. Collection method: clinical testing. Allele origin: germline.
Comment: The NM_000018.3:c.1800A>T (NP_000009.1:p.Lys600Asn) [GRCH38: NC_000017.11:g.7224857A>T] variant in ACADVL gene is interpretated to be Uncertain Significance based on ACMG guidelines (PMID: 25741868). This variant has been reported. This variant dose not meet any evidence codes reported in the ACMG guidelines.

NM_000018.4(ACADVL):c.1800A>T (p.Lys600Asn)

Gene: ACADVL (acyl-CoA dehydrogenase very long chain; plus strand). Cytogenetic location: 17p13.1.
Variant type: single nucleotide variant.
Coding change: c.1800A>T on transcript NM_000018.4 (MANE Select); coding-DNA position 1800, A replaced by T.
Protein change: p.Lys600Asn; replaces lysine 600 with asparagine.
Molecular consequence: missense variant.
Genome position (GRCh38, 1-based): chr17:7,224,857, A>T. VCF-style: chr17-7224857-A-T. GRCh37 (hg19) VCF-style: chr17-7128176-A-T.
Other names: c.1734A>T, p.Lys578Asn (NM_001033859.3); c.1869A>T, p.Lys623Asn (NM_001270447.2); c.1572A>T, p.Lys524Asn (NM_001270448.2); short protein forms K578N, K600N, K623N, K524N.
Identifiers: ClinVar variation 932775 (VCV000932775.2), dbSNP rs2071403522, ClinGen allele CA397725912.
Genomic context (GRCh38, chr17:7,224,857, plus strand): 5'-GCTTCCTGCCAGGGCCTCAAGATCCCTGAGTGAGGGCCACCCCACGGCCCAGCATGAGAA[A>T]ATGCTCTGTGACACCTGGTGTATCGAGGTGAGACTCGGGGCTGCCAAGCTCAGGTGAGGG-3'
Protein context (NP_000009.1, residues 590-610): SEGHPTAQHE[Lys600Asn]MLCDTWCIEA